The following is an entry in ClinVar:

ClinVar aggregate classification (germline): Pathogenic. Review status: criteria provided, multiple submitters, no conflicts (2 of 4 stars). 5 submissions from 5 submitters: Pathogenic (4). 1 of the submissions does not count toward it. Last evaluated 2026-07-15.

Conditions:
Polycystic kidney disease 2 (PKD2). Also called: Polycystic Kidney Disease 2, Autosomal Dominant; POLYCYSTIC KIDNEY DISEASE 2 WITH OR WITHOUT POLYCYSTIC LIVER DISEASE; POLYCYSTIC KIDNEY DISEASE, ADULT, TYPE II. Identifiers: MedGen C2751306, MONDO:0013131, OMIM 613095.

Submissions (5):

Victorian Clinical Genetics Services, Murdoch Childrens Research Institute
Classification: Pathogenic for Polycystic kidney disease 2. Last evaluated: 2026-07-15. Review status: criteria provided, single submitter. Criteria: ACMG Guidelines, 2015. Collection method: clinical testing. Allele origin: germline. Affected: yes.
Comment: This variant is classified as Pathogenic. Evidence in support of pathogenic classification: Canonical splice site variant without proven consequence on splicing (no functional evidence available); This variant is absent from gnomAD v4; This variant has strong previous evidence of pathogenicity in unrelated individuals. This variant has been classified as pathogenic by clinical laboratories in ClinVar. This variant has also been reported in the literature in ADPKD cohorts (PMIDs: 20950398, 28356211, 30586318); Other variant(s) comparable to the one identified in this case have moderate previous evidence for pathogenicity. c.2240+1G>C has been classified as pathogenic by clinical laboratories in ClinVar, and c.2240+1G>T has been reported in the literature in a cohort of ADPKD patients (PMID: 24694054). - Abnormal splicing is predicted by in silico tool and affected nucleotide is highly conserved. Additional information: This variant is heterozygous; This gene is associated with autosomal dominant disease; Alternative nucleotide change(s) at the same canonical splice site are present in gnomAD (highest allele count: v4: 1 heterozygote(s), 0 homozygote(s)); No published evidence of segregation with disease has been identified for this variant; No published functional evidence has been identified for this variant; Loss of function is a known mechanism of disease in this gene and is associated with polycystic kidney disease 2 (MIM#613095); Inheritance information for this variant is not currently available in this individual.

Fulgent Genetics
Classification: Pathogenic for Polycystic kidney disease 2. Last evaluated: 2022-02-18. Review status: criteria provided, single submitter. Criteria: ACMG Guidelines, 2015. Collection method: clinical testing. Allele origin: unknown.

Athena Diagnostics
Classification: Pathogenic. Last evaluated: 2020-06-18. Review status: criteria provided, single submitter. Criteria: Athena Diagnostics Criteria. Collection method: clinical testing. Allele origin: unknown.
Comment: The variant disrupts a canonical splice site, and is therefore predicted to result in the loss of a functional protein. Found in at least one patient with expected phenotype for this gene, and not found in general population data.

Department of Pathology and Laboratory Medicine, Sinai Health System
Classification: Pathogenic for Polycystic kidney disease 2. Last evaluated: 2019-10-31. Review status: criteria provided, single submitter. Criteria: ACMG Guidelines, 2015. Collection method: clinical testing. Allele origin: germline. Affected: yes.

Gharavi Laboratory, Columbia University
Classification: Pathogenic. Last evaluated: 2018-09-16. Review status: no assertion criteria provided. Criteria: ACMG Guidelines, 2015. Collection method: research. Allele origin: germline. Affected: yes. Not counted in ClinVar's aggregate classification.

Literature cited by the submitters: PubMed 28356211 (cited by Victorian Clinical Genetics Services, Murdoch Childrens Research Institute); PubMed 20950398 (cited by Victorian Clinical Genetics Services, Murdoch Childrens Research Institute); PubMed 24694054 (cited by Victorian Clinical Genetics Services, Murdoch Childrens Research Institute); PubMed 30586318 (cited by Victorian Clinical Genetics Services, Murdoch Childrens Research Institute).

NM_000297.4(PKD2):c.2240+1G>A

Gene: PKD2 (polycystin 2, transient receptor potential cation channel; plus strand). Cytogenetic location: 4q22.1.
Variant type: single nucleotide variant.
Coding change: c.2240+1G>A on transcript NM_000297.4 (MANE Select); the canonical splice donor site of the intron after coding-DNA position 2240, G replaced by A.
Molecular consequence: splice donor variant.
Genome position (GRCh38, 1-based): chr4:88,065,496, G>A. VCF-style: chr4-88065496-G-A. GRCh37 (hg19) VCF-style: chr4-88986648-G-A.
Other names: c.2240+1G>A (NM_000297.3).
Identifiers: ClinVar variation 448034 (VCV000448034.5), dbSNP rs1553927783, ClinGen allele CA357624779.